The following is an entry in ClinVar:

ClinVar aggregate classification (germline): Uncertain significance. Review status: criteria provided, multiple submitters, no conflicts (2 of 4 stars). 5 submissions from 5 submitters: Uncertain significance (4). 1 of the submissions does not count toward it. Last evaluated 2026-04-15.

Conditions:
Inborn genetic diseases. Identifiers: MedGen C0950123, MeSH D030342.
Leber congenital amaurosis (LCA). Also called: Leber's amaurosis. Identifiers: Orphanet 65, MedGen C0339527, MeSH D057130, MONDO:0018998.
Leber congenital amaurosis 13 (LCA13). Identifiers: MedGen C2675186, MONDO:0012990, OMIM 612712.
RDH12-related disorder. Also called: RDH12-related disorders; RDH12-related condition.

Allele frequency attached by ClinVar (database versions not stated): gnomAD exomes 0.00005 and 0.00008; ExAC 0.00010; 1000 Genomes Project 30x 0.00031; 1000 Genomes Project 0.00040; ESP Exome Variant Server 0.00046; gnomAD 0.00051 and 0.00054; TOPMed 0.00051.
gnomAD v4.1: 152 of 1,612,878 alleles (0.0094%); highest among the groups gnomAD compares: African/African-American, 0.18%; no homozygotes.

Submissions (5):

PreventionGenetics, part of Exact Sciences
Classification: Uncertain significance for RDH12-related condition. Last evaluated: 2026-04-15. Review status: criteria provided, single submitter. Criteria: ACMG Guidelines, 2015. Collection method: clinical testing. Allele origin: germline.
Comment: The RDH12 c.85G>A variant is predicted to result in the amino acid substitution p.Gly29Arg. To our knowledge, this variant has not been reported in the literature. This variant is present in 0.13% of alleles in individuals of African descent in gnomAD, which may be too common to be an undocumented cause of disease. Although we suspect that this variant may be benign, at this time, the clinical significance of this variant is uncertain due to the absence of conclusive functional and genetic evidence.

Ambry Genetics
Classification: Uncertain significance for Inborn genetic diseases. Last evaluated: 2024-10-29. Review status: criteria provided, single submitter. Criteria: Ambry Variant Classification Scheme 2023. Collection method: clinical testing. Allele origin: germline.

Labcorp Genetics (formerly Invitae), Labcorp
Classification: Uncertain significance for Leber congenital amaurosis 13. Last evaluated: 2024-10-29. Review status: criteria provided, single submitter. Criteria: Invitae Variant Classification Sherloc (09022015). Collection method: clinical testing. Allele origin: germline.
Comment: This sequence change replaces glycine, which is neutral and non-polar, with arginine, which is basic and polar, at codon 29 of the RDH12 protein (p.Gly29Arg). This variant is present in population databases (rs115455005, gnomAD 0.1%). This variant has not been reported in the literature in individuals affected with RDH12-related conditions. ClinVar contains an entry for this variant (Variation ID: 866752). An algorithm developed to predict the effect of missense changes on protein structure and function (PolyPhen-2) suggests that this variant is likely to be disruptive. In summary, the available evidence is currently insufficient to determine the role of this variant in disease. Therefore, it has been classified as a Variant of Uncertain Significance.

Blueprint Genetics
Classification: Uncertain significance. Last evaluated: 2024-04-23. Review status: criteria provided, single submitter. Criteria: ACMG Guidelines, 2015. Collection method: clinical testing. Allele origin: germline.

Natera, Inc.
Classification: Uncertain significance for Leber congenital amaurosis. Last evaluated: 2020-01-16. Review status: no assertion criteria provided. Collection method: clinical testing. Allele origin: germline. Not counted in ClinVar's aggregate classification.

NM_152443.3(RDH12):c.85G>A (p.Gly29Arg)

Genes: GPHN (gephyrin; plus strand), RDH12 (retinol dehydrogenase 12; plus strand). Cytogenetic location: 14q24.1.
Variant type: single nucleotide variant.
Coding change: c.85G>A on transcript NM_152443.3 (MANE Select); coding-DNA position 85, G replaced by A.
Protein change: p.Gly29Arg; replaces glycine 29 with arginine.
Molecular consequence: missense variant.
Genome position (GRCh38, 1-based): chr14:67,724,489, G>A. VCF-style: chr14-67724489-G-A. GRCh37 (hg19) VCF-style: chr14-68191206-G-A.
Other names: short protein forms G29R.
Identifiers: ClinVar variation 866752 (VCV000866752.12), dbSNP rs115455005, ClinGen allele CA7238598.
Genomic context (GRCh38, chr14:67,724,489, plus strand): 5'-TCGTGAAGGATGGTACGTGATGCTCTTGTTTCCCTTGCCGATAGGAAGTTCTTTGCTGGT[G>A]GAGTGTGTAGAACAAATGTGCAGCTTCCTGGCAAGGTAGTGGTGATCACTGGCGCCAACA-3'
Protein context (NP_689656.2, residues 19-39): APSIRKFFAG[Gly29Arg]VCRTNVQLPG